The following is an entry in ClinVar:

ClinVar aggregate classification (germline): Uncertain significance. Review status: criteria provided, multiple submitters, no conflicts (2 of 4 stars). 2 submissions from 2 submitters: Uncertain significance (2). Last evaluated 2021-05-06.

Conditions:
Microcephaly 2, primary, autosomal recessive, with or without cortical malformations. Also called: WDR62 Primary Microcephaly; MICROCEPHALY 2, PRIMARY, AUTOSOMAL RECESSIVE, WITH CORTICAL MALFORMATIONS. Identifiers: Orphanet 2512, MedGen C1858535, MONDO:0011435, OMIM 604317.

Submissions (2):

Victorian Clinical Genetics Services, Murdoch Childrens Research Institute
Classification: Uncertain significance for Microcephaly 2, primary, autosomal recessive, with or without cortical malformations. Last evaluated: 2021-05-06. Review status: criteria provided, single submitter. Criteria: ACMG Guidelines, 2015. Collection method: clinical testing. Allele origin: germline. Inheritance: Autosomal recessive inheritance. Affected: yes.
Comment: Based on the classification scheme VCGS_Germline_v1.3.4, this variant is classified as 3A-VUS. Following criteria are met: 0102 - Loss of function is a known mechanism of disease in this gene and is associated with microcephaly 2, primary, with or without cortical malformations (MIM#604317). (I) 0106 - This gene is associated with autosomal recessive disease. (I) 0200 - Variant is predicted to result in a missense amino acid change from leucine to glutamine. (I) 0252 - This variant is homozygous. (I) 0301 - Variant is absent from gnomAD (both v2 and v3). (SP) 0502 - Missense variant with conflicting in silico predictions and uninformative conservation. (I) 0604 - Variant is not located in an established domain, motif, hotspot or informative constraint region. (I) 0705 - No comparable missense variants have previous evidence for pathogenicity. (I) 0807 - This variant has no previous evidence of pathogenicity. (I) 0905 - No published segregation evidence has been identified for this variant. (I) 1007 - No published functional evidence has been identified for this variant. (I) 1102 - Strong phenotype match for this individual. (SP) 1207 - Parental origin of the variant is unresolved. (I) Legend: (SP) - Supporting pathogenic, (I) - Information, (SB) - Supporting benign

GeneDx
Classification: Uncertain significance. Last evaluated: 2019-10-07. Review status: criteria provided, single submitter. Criteria: GeneDx Variant Classification Process June 2021. Collection method: clinical testing. Allele origin: germline. Affected: yes.
Comment: Not observed in large population cohorts (Lek et al., 2016); In silico analysis, which includes protein predictors and evolutionary conservation, supports that this variant does not alter protein structure/function; Has not been previously published as pathogenic or benign to our knowledge

NM_001083961.2(WDR62):c.4397T>A (p.Leu1466Gln)

Gene: WDR62 (WD repeat domain 62; plus strand). Cytogenetic location: 19q13.12.
Variant type: single nucleotide variant.
Coding change: c.4397T>A on transcript NM_001083961.2 (MANE Select); coding-DNA position 4397, T replaced by A.
Protein change: p.Leu1466Gln; replaces leucine 1466 with glutamine.
Molecular consequence: missense variant.
Genome position (GRCh38, 1-based): chr19:36,104,853, T>A. VCF-style: chr19-36104853-T-A. GRCh37 (hg19) VCF-style: chr19-36595755-T-A.
Other names: c.4382T>A, p.Leu1461Gln (NM_173636.5); short protein forms L1461Q, L1466Q.
Identifiers: ClinVar variation 1308946 (VCV001308946.3), dbSNP rs2145889410, ClinGen allele CA405462583.
Genomic context (GRCh38, chr19:36,104,853, plus strand): 5'-CCGGGCAGCAGCAGGCACGGACTGAGCTGGTCTCCACCTTCCTGTGGATCCACAGCCAGC[T>A]GGAGGCTGAATGCCTGGTGGGGACTAGTGTGGCCCCAGCCCAGGCTCTGCCCAGCCCAGG-3'
Protein context (NP_001077430.1, residues 1456-1476): VSTFLWIHSQ[Leu1466Gln]EAECLVGTSV